The following is an entry in ClinVar:

NM_022464.5(SIL1):c.353+1G>T

Gene: SIL1 (SIL1 nucleotide exchange factor; minus strand). Cytogenetic location: 5q31.2.
Variant type: single nucleotide variant.
Coding change: c.353+1G>T on transcript NM_022464.5 (MANE Select); the canonical splice donor site of the intron after coding-DNA position 353, G replaced by T.
Molecular consequence: splice donor variant.
Genome position (GRCh38, 1-based): chr5:139,050,937, C>A on the plus strand (G>T on the coding strand, the complement: SIL1 is on the minus strand). VCF-style: chr5-139050937-C-A. GRCh37 (hg19) VCF-style: chr5-138386626-C-A.
Other names: c.353+1G>T (NM_001037633.2).
Identifiers: ClinVar variation 1524458 (VCV001524458.8), dbSNP rs2546366412, ClinGen allele CA361476142.

ClinVar aggregate classification (germline): Likely pathogenic (1 of 4 stars; one submission).

Conditions:
Marinesco-Sjögren syndrome (MSS). Also called: Marinesco-Sjogren Syndrome; Marinesco-SjÃ¶gren syndrome. Identifiers: Orphanet 559, MedGen C0024814, MONDO:0009567, OMIM 248800.

Submission:

Labcorp Genetics (formerly Invitae), Labcorp
Classification: Likely pathogenic for Marinesco-Sjögren syndrome. Last evaluated: 2020-11-14. Review status: criteria provided, single submitter. Criteria: Invitae Variant Classification Sherloc (09022015). Collection method: clinical testing. Allele origin: germline.
Comment: This sequence change affects a donor splice site in intron 4 of the SIL1 gene. It is expected to disrupt RNA splicing. Variants that disrupt the donor or acceptor splice site typically lead to a loss of protein function (PMID: 16199547), and loss-of-function variants in SIL1 are known to be pathogenic (PMID: 16282977, 24176978). This variant is not present in population databases (ExAC no frequency). This variant has not been reported in the literature in individuals with SIL1-related conditions. In summary, the currently available evidence indicates that the variant is pathogenic, but additional data are needed to prove that conclusively. Therefore, this variant has been classified as Likely Pathogenic.

Literature cited by the submitters: PubMed 16199547; PubMed 16282977; PubMed 24176978.